The following is an entry in ClinVar:

NM_020778.5(ALPK3):c.2575G>A (p.Gly859Ser)

Gene: ALPK3 (alpha kinase 3; plus strand). Cytogenetic location: 15q25.3.
Variant type: single nucleotide variant.
Coding change: c.2575G>A on transcript NM_020778.5 (MANE Select); coding-DNA position 2575, G replaced by A.
Protein change: p.Gly859Ser; replaces glycine 859 with serine.
Molecular consequence: missense variant.
Genome position (GRCh38, 1-based): chr15:84,857,313, G>A. VCF-style: chr15-84857313-G-A. GRCh37 (hg19) VCF-style: chr15-85400544-G-A.
Other names: short protein forms G859S.
Identifiers: ClinVar variation 2214073 (VCV002214073.4), dbSNP rs1227488256, ClinGen allele CA393357644.

ClinVar aggregate classification (germline): Uncertain significance. Review status: criteria provided, multiple submitters, no conflicts (2 of 4 stars). 3 submissions from 3 submitters: Uncertain significance (3). Last evaluated 2025-07-29.

Conditions:
Cardiovascular phenotype. Identifiers: MedGen CN230736.

Allele frequency attached by ClinVar (database versions not stated): gnomAD exomes below 0.00001; TOPMed below 0.00001.
gnomAD v4.1: 4 of 1,614,136 alleles (0.00025%); highest among the groups gnomAD compares: African/African-American, 0.004%; no homozygotes.

Submissions (3):

Labcorp Genetics (formerly Invitae), Labcorp
Classification: Uncertain significance. Last evaluated: 2025-07-29. Review status: criteria provided, single submitter. Criteria: Invitae Variant Classification Sherloc (09022015). Collection method: clinical testing. Allele origin: germline.
Comment: This sequence change replaces glycine, which is neutral and non-polar, with serine, which is neutral and polar, at codon 1061 of the ALPK3 protein (p.Gly1061Ser). This variant is not present in population databases (gnomAD no frequency). This variant has not been reported in the literature in individuals affected with ALPK3-related conditions. ClinVar contains an entry for this variant (Variation ID: 2214073). Invitae Evidence Modeling of protein sequence and biophysical properties (such as structural, functional, and spatial information, amino acid conservation, physicochemical variation, residue mobility, and thermodynamic stability) indicates that this missense variant is not expected to disrupt ALPK3 protein function with a negative predictive value of 80%. In summary, the available evidence is currently insufficient to determine the role of this variant in disease. Therefore, it has been classified as a Variant of Uncertain Significance.

Ambry Genetics
Classification: Uncertain significance for Cardiovascular phenotype. Last evaluated: 2021-09-16. Review status: criteria provided, single submitter. Criteria: Ambry Variant Classification Scheme 2023. Collection method: clinical testing. Allele origin: germline.

Blueprint Genetics
Classification: Uncertain significance. Last evaluated: 2021-05-21. Review status: criteria provided, single submitter. Criteria: ACMG Guidelines, 2015. Collection method: clinical testing. Allele origin: germline.